The following is an entry in ClinVar:

ClinVar aggregate classification (germline): Uncertain significance. Review status: criteria provided, multiple submitters, no conflicts (2 of 4 stars). 2 submissions from 2 submitters: Uncertain significance (2). Last evaluated 2025-07-31.

Conditions:
Hereditary cancer-predisposing syndrome. Also called: Hereditary neoplastic syndrome; Hereditary Cancer Syndrome; Neoplastic Syndromes, Hereditary; Tumor predisposition. Identifiers: Orphanet 140162, MedGen C0027672, MeSH D009386, MONDO:0015356.
Hereditary breast ovarian cancer syndrome. Also called: Hereditary breast and ovarian cancer syndrome; Hereditary breast and ovarian cancer syndrome (HBOC); BRCA1- and BRCA2-Associated Hereditary Breast and Ovarian Cancer; Hereditary breast and ovarian cancer; Breast and ovarian cancer; Hereditary breast and/or ovarian cancer syndrome. Identifiers: Orphanet 145, MedGen C0677776, MeSH D061325, MONDO:0003582. Disease mechanism: loss of function.

Submissions (2):

Labcorp Genetics (formerly Invitae), Labcorp
Classification: Uncertain significance for Hereditary breast ovarian cancer syndrome. Last evaluated: 2025-07-31. Review status: criteria provided, single submitter. Criteria: Invitae Variant Classification Sherloc (09022015). Collection method: clinical testing. Allele origin: germline.
Comment: This sequence change replaces isoleucine, which is neutral and non-polar, with threonine, which is neutral and polar, at codon 1593 of the BRCA1 protein (p.Ile1593Thr). This variant is not present in population databases (gnomAD no frequency). This variant has not been reported in the literature in individuals affected with BRCA1-related conditions. ClinVar contains an entry for this variant (Variation ID: 2768919). Invitae Evidence Modeling of protein sequence and biophysical properties (such as structural, functional, and spatial information, amino acid conservation, physicochemical variation, residue mobility, and thermodynamic stability) indicates that this missense variant is not expected to disrupt BRCA1 protein function with a negative predictive value of 95%. In summary, the available evidence is currently insufficient to determine the role of this variant in disease. Therefore, it has been classified as a Variant of Uncertain Significance.

Ambry Genetics
Classification: Uncertain significance for Hereditary cancer-predisposing syndrome. Last evaluated: 2024-10-29. Review status: criteria provided, single submitter. Criteria: Ambry Variant Classification Scheme 2023. Collection method: clinical testing. Allele origin: germline.
Comment: The p.I1593T variant (also known as c.4778T>C), located in coding exon 14 of the BRCA1 gene, results from a T to C substitution at nucleotide position 4778. The isoleucine at codon 1593 is replaced by threonine, an amino acid with similar properties. This amino acid position is poorly conserved in available vertebrate species. In addition, the in silico prediction for this alteration is inconclusive. Based on the available evidence, the clinical significance of this variant remains unclear.

Literature cited by the submitters: PubMed 35585550 (cited by Ambry Genetics).

NM_007294.4(BRCA1):c.4778T>C (p.Ile1593Thr)

Gene: BRCA1 (BRCA1 DNA repair associated; minus strand). Cytogenetic location: 17q21.31.
Variant type: single nucleotide variant.
Coding change: c.4778T>C on transcript NM_007294.4 (MANE Select); coding-DNA position 4778, T replaced by C.
Protein change: p.Ile1593Thr; replaces isoleucine 1593 with threonine.
Molecular consequence: missense variant. On other transcripts: intron variant (1).
Genome position (GRCh38, 1-based): chr17:43,071,136, A>G on the plus strand (T>C on the coding strand, the complement: BRCA1 is on the minus strand). VCF-style: chr17-43071136-A-G. GRCh37 (hg19) VCF-style: chr17-41223153-A-G.
Other names: c.4700T>C, p.Ile1567Thr (NM_001407655.1, NM_001407653.1, NM_001407654.1); c.1457T>C, p.Ile486Thr (NM_001408409.1); c.4697T>C, p.Ile1566Thr (NM_001407656.1, NM_001407657.1, NM_001407658.1); c.1394T>C, p.Ile465Thr (NM_001408410.1); c.1391T>C, p.Ile464Thr (NM_001408411.1); c.1388T>C, p.Ile463Thr (NM_001408412.1, NM_001408413.1, NM_001408415.1 and 2 more transcripts); c.4694T>C, p.Ile1565Thr (NM_001407659.1, NM_001407660.1, NM_001407661.1 and 2 more transcripts); c.1352T>C, p.Ile451Thr (NM_001408418.1, NM_001408419.1, NM_001408420.1); and 71 more; short protein forms I1297T, I1424T, I1464T, I1465T, I1482T, I1522T, I1545T, I1551T.
Identifiers: ClinVar variation 2768919 (VCV002768919.4), dbSNP rs2153856703, ClinGen allele CA10591959.
Genomic context (GRCh38, chr17:43,071,136, plus strand): 5'-CTCTGGGCAGATTCTGCAACTTTCAATTGGGGAACTTTCAATGCAGAGGTTGAAGATGGT[A>G]TGTTGCCAACACGAGCTGACTCTGGGGCTCTGTCTTCAGAAGGATCAGATTCAGGGTCAT-3'
Protein context (NP_009225.1, residues 1583-1603): RAPESARVGN[Ile1593Thr]PSSTSALKVP